The following is an entry in ClinVar:

NM_000202.8(IDS):c.161dup (p.Tyr54Ter)

Gene: IDS (iduronate 2-sulfatase; minus strand). Cytogenetic location: Xq28.
Variant type: Duplication.
Coding change: c.161dup on transcript NM_000202.8 (MANE Select); coding-DNA position 161, one base duplicated (A; older notation c.161dupA).
Protein change: p.Tyr54Ter; replaces tyrosine 54 with a stop codon.
Molecular consequence: nonsense. On other transcripts: 5 prime UTR variant (1), non-coding transcript variant (1).
Genome position (GRCh38, 1-based): chrX:149,504,236, T duplicated on the plus strand (A on the coding strand, the reverse complement: IDS is on the minus strand). VCF-style (leftmost placement, unchanged base first): chrX-149504235-A-AT. GRCh37 (hg19) VCF-style: chrX-148585765-A-AT.
Other names: c.-66dup (NM_001166550.4); c.161dup, p.Tyr54Ter (NM_006123.5); short protein forms Y54*.
Identifiers: ClinVar variation 3255962 (VCV003255962.2).

ClinVar aggregate classification (germline): Pathogenic (1 of 4 stars; one submission).

Conditions:
Mucopolysaccharidosis, MPS-II (MPS2). Also called: Hunter Syndrome; IDURONATE 2-SULFATASE DEFICIENCY; Mucopolysaccharidosis Type II; Mucopolysaccharidosis type 2; Attenuated MPS (subtype; formerly known as mild MPS II); Severe MPS II. Identifiers: Orphanet 580, Orphanet 79388, MedGen C0026705, MONDO:0010674, OMIM 309900.

Submission:

Laboratory of Diagnosis and Therapy of Lysosomal Disorders, University of Padova
Classification: Pathogenic for Mucopolysaccharidosis, MPS-II. Last evaluated: 2024-06-07. Review status: criteria provided, single submitter. Criteria: ACMG Guidelines, 2015. Collection method: literature only. Allele origin: germline. Affected: yes. Observed: 3 variant alleles.
Comment: Null variant (PVS1_VeryStrong), Absent from controls (or at low frequency) in gnomAD database (PM2_Moderate), Patient’s phenotype or family history highly specific for the disease (PP4_Moderate)

Classification method: ACMG Guidelines [PMID:25741868] with modifications

Literature cited by the submitters: PubMed 24125893; PubMed 21829674; PubMed 36945845.